The following is an entry in ClinVar:

ClinVar aggregate classification (germline): Uncertain significance (1 of 4 stars; one submission).

Conditions:
T-B+ severe combined immunodeficiency due to JAK3 deficiency. Also called: SCID, autosomal recessive, T-negative/B-positive type; SCID, T CELL-NEGATIVE, B CELL-POSITIVE, NK CELL-NEGATIVE. Identifiers: Orphanet 35078, MedGen C1833275, MONDO:0010938, OMIM 600802.

Allele frequency attached by ClinVar (database versions not stated): TOPMed below 0.00001.
gnomAD v4.1: 3 of 1,614,066 alleles (0.00019%); highest among the groups gnomAD compares: Non-Finnish European, 0.00025%; no homozygotes.

Submission:

Labcorp Genetics (formerly Invitae), Labcorp
Classification: Uncertain significance for T-B+ severe combined immunodeficiency due to JAK3 deficiency. Last evaluated: 2021-11-06. Review status: criteria provided, single submitter. Criteria: Invitae Variant Classification Sherloc (09022015). Collection method: clinical testing. Allele origin: germline.
Comment: This sequence change falls in intron 16 of the JAK3 gene. It does not directly change the encoded amino acid sequence of the JAK3 protein. It affects a nucleotide within the consensus splice site. This variant is not present in population databases (gnomAD no frequency). This variant has not been reported in the literature in individuals affected with JAK3-related conditions. Variants that disrupt the consensus splice site are a relatively common cause of aberrant splicing (PMID: 17576681, 9536098). Algorithms developed to predict the effect of sequence changes on RNA splicing suggest that this variant may disrupt the consensus splice site. In summary, the available evidence is currently insufficient to determine the role of this variant in disease. Therefore, it has been classified as a Variant of Uncertain Significance.

Literature cited by the submitters: PubMed 17576681; PubMed 9536098.

NM_000215.4(JAK3):c.2199+4A>G

Gene: JAK3 (Janus kinase 3; minus strand). Cytogenetic location: 19p13.11.
Variant type: single nucleotide variant.
Coding change: c.2199+4A>G on transcript NM_000215.4 (MANE Select); 4 bases into the intron after coding-DNA position 2199, A replaced by G.
Molecular consequence: intron variant.
Genome position (GRCh38, 1-based): chr19:17,834,848, T>C on the plus strand (A>G on the coding strand, the complement: JAK3 is on the minus strand). VCF-style: chr19-17834848-T-C. GRCh37 (hg19) VCF-style: chr19-17945657-T-C.
Identifiers: ClinVar variation 1423210 (VCV001423210.3), dbSNP rs2094221083, ClinGen allele CA2326053519.